The following is an entry in ClinVar:

ClinVar aggregate classification (germline): Conflicting classifications of pathogenicity. Review status: criteria provided, conflicting classifications (1 of 4 stars). 4 submissions from 4 submitters: Uncertain significance (1); Likely benign (3). Last evaluated 2024-10-24.

Conditions:
Developmental and epileptic encephalopathy, 67. Also called: EPILEPTIC ENCEPHALOPATHY, EARLY INFANTILE, 67. Identifiers: MedGen C4748341, MONDO:0029138, OMIM 618141.

Allele frequency attached by ClinVar (database versions not stated): 1000 Genomes Project 30x 0.00016; 1000 Genomes Project 0.00020; ESP Exome Variant Server 0.00042.
gnomAD v4.1: 761 of 1,496,796 alleles (0.051%); highest among the groups gnomAD compares: Non-Finnish European, 0.061%; 1 homozygote.

Submissions (4):

Blueprint Genetics
Classification: Likely benign. Last evaluated: 2024-10-24. Review status: criteria provided, single submitter. Criteria: ACMG Guidelines, 2015. Collection method: clinical testing. Allele origin: germline.

CeGaT Center for Human Genetics Tuebingen
Classification: Likely benign. Last evaluated: 2023-05-01. Review status: criteria provided, single submitter. Criteria: CeGaT Center For Human Genetics Tuebingen Variant Classification Criteria Version 2. Collection method: clinical testing. Allele origin: germline. Affected: yes. Observed: 2 variant alleles.
Comment: CUX2: BS2

Revvity Omics, Revvity
Classification: Uncertain significance for Developmental and epileptic encephalopathy, 67. Last evaluated: 2021-05-18. Review status: criteria provided, single submitter. Criteria: ACMG Guidelines, 2015. Collection method: clinical testing. Allele origin: germline.

Breakthrough Genomics
Classification: Likely benign. Review status: criteria provided, single submitter. Criteria: ACMG Guidelines, 2015. Collection method: not provided. Allele origin: germline. Inheritance: Autosomal dominant inheritance. Affected: yes.

NM_015267.4(CUX2):c.79G>T (p.Val27Phe)

Gene: CUX2 (cut like homeobox 2; plus strand). Cytogenetic location: 12q24.11.
Variant type: single nucleotide variant.
Coding change: c.79G>T on transcript NM_015267.4 (MANE Select); coding-DNA position 79, G replaced by T.
Protein change: p.Val27Phe; replaces valine 27 with phenylalanine.
Molecular consequence: missense variant. On other transcripts: 5 prime UTR variant (1).
Genome position (GRCh38, 1-based): chr12:111,214,215, G>T. VCF-style: chr12-111214215-G-T. GRCh37 (hg19) VCF-style: chr12-111652019-G-T.
Other names: c.-108G>T (NM_001370598.1); short protein forms V27F.
Identifiers: ClinVar variation 1175839 (VCV001175839.40), dbSNP rs200420920, ClinGen allele CA6788228.
Genomic context (GRCh38, chr12:111,214,215, plus strand): 5'-TTTCTTTTCTCTCTCTCTCTTTTTTTTTTTTTTTTATTGTTCCAGAAGGAGCTTAATTCC[G>T]TCGCTTCTGAGCTGTCTGCACGGCAGGAGGAGAGTGAACATTCTCATAAACATTTAATTG-3'
Protein context (NP_056082.2, residues 17-37): LRRLQKELNS[Val27Phe]ASELSARQEE